The following is an entry in ClinVar:

NM_199355.4(ADAMTS18):c.700C>T (p.His234Tyr)

Gene: ADAMTS18 (ADAM metallopeptidase with thrombospondin type 1 motif 18; minus strand). Cytogenetic location: 16q23.1.
Variant type: single nucleotide variant.
Coding change: c.700C>T on transcript NM_199355.4 (MANE Select); coding-DNA position 700, C replaced by T.
Protein change: p.His234Tyr; replaces histidine 234 with tyrosine.
Molecular consequence: missense variant. On other transcripts: synonymous variant (1).
Genome position (GRCh38, 1-based): chr16:77,367,519, G>A on the plus strand (C>T on the coding strand, the complement: ADAMTS18 is on the minus strand). VCF-style: chr16-77367519-G-A. GRCh37 (hg19) VCF-style: chr16-77401416-G-A.
Other names: c.180C>T, p.Pro60= (NM_001326358.2); c.700C>T (NM_199355.2); short protein forms H234Y.
Identifiers: ClinVar variation 1389213 (VCV001389213.7), dbSNP rs775958686, ClinGen allele CA8181587.

ClinVar aggregate classification (germline): Uncertain significance. Review status: criteria provided, multiple submitters, no conflicts (2 of 4 stars). 2 submissions from 2 submitters: Uncertain significance (2). Last evaluated 2025-03-08.

Conditions:
Inborn genetic diseases. Identifiers: MedGen C0950123, MeSH D030342.

Allele frequency attached by ClinVar (database versions not stated): gnomAD exomes below 0.00001; ExAC 0.00001.
gnomAD v4.1: 1 of 1,614,218 alleles (0.000062%); highest among the groups gnomAD compares: East Asian, 0.0022%; no homozygotes.

Submissions (2):

Ambry Genetics
Classification: Uncertain significance for Inborn genetic diseases. Last evaluated: 2025-03-08. Review status: criteria provided, single submitter. Criteria: Ambry Variant Classification Scheme 2023. Collection method: clinical testing. Allele origin: germline.

Labcorp Genetics (formerly Invitae), Labcorp
Classification: Uncertain significance. Last evaluated: 2021-10-25. Review status: criteria provided, single submitter. Criteria: Invitae Variant Classification Sherloc (09022015). Collection method: clinical testing. Allele origin: germline.
Comment: In summary, the available evidence is currently insufficient to determine the role of this variant in disease. Therefore, it has been classified as a Variant of Uncertain Significance. Algorithms developed to predict the effect of missense changes on protein structure and function output the following: SIFT: "Not Available"; PolyPhen-2: "Benign"; Align-GVGD: "Not Available". The tyrosine amino acid residue is found in multiple mammalian species, which suggests that this missense change does not adversely affect protein function. This variant has not been reported in the literature in individuals affected with ADAMTS18-related conditions. This variant is present in population databases (rs775958686, gnomAD 0.006%). This sequence change replaces histidine, which is basic and polar, with tyrosine, which is neutral and polar, at codon 234 of the ADAMTS18 protein (p.His234Tyr).